The following is an entry in ClinVar:

ClinVar aggregate classification (germline): Uncertain significance (1 of 4 stars; one submission).

Conditions:
COG5-congenital disorder of glycosylation. Also called: CDG IIi; CONGENITAL DISORDER OF GLYCOSYLATION, TYPE IIi; COG5-CDG. Identifiers: Orphanet 263487, MedGen C3150876, MONDO:0013325, OMIM 613612.

Allele frequency attached by ClinVar (database versions not stated): TOPMed 0.00001; gnomAD exomes 0.00004; ExAC 0.00006.
gnomAD v4.1: 13 of 1,607,504 alleles (0.00081%); highest among the groups gnomAD compares: Admixed American, 0.015%; no homozygotes.

Submission:

Labcorp Genetics (formerly Invitae), Labcorp
Classification: Uncertain significance for COG5-congenital disorder of glycosylation. Last evaluated: 2023-12-21. Review status: criteria provided, single submitter. Criteria: Invitae Variant Classification Sherloc (09022015). Collection method: clinical testing. Allele origin: germline.
Comment: This sequence change replaces glutamic acid, which is acidic and polar, with aspartic acid, which is acidic and polar, at codon 645 of the COG5 protein (p.Glu645Asp). This variant is present in population databases (rs772330572, gnomAD 0.03%). This variant has not been reported in the literature in individuals affected with COG5-related conditions. ClinVar contains an entry for this variant (Variation ID: 1358234). An algorithm developed to predict the effect of missense changes on protein structure and function (PolyPhen-2) suggests that this variant is likely to be disruptive. In summary, the available evidence is currently insufficient to determine the role of this variant in disease. Therefore, it has been classified as a Variant of Uncertain Significance.

NM_006348.5(COG5):c.1842A>C (p.Glu614Asp)

Gene: COG5 (component of oligomeric golgi complex 5; minus strand). Cytogenetic location: 7q22.3.
Variant type: single nucleotide variant.
Coding change: c.1842A>C on transcript NM_006348.5 (MANE Select); coding-DNA position 1842, A replaced by C.
Protein change: p.Glu614Asp; replaces glutamic acid 614 with aspartic acid.
Molecular consequence: missense variant.
Genome position (GRCh38, 1-based): chr7:107,248,407, T>G on the plus strand (A>C on the coding strand, the complement: COG5 is on the minus strand). VCF-style: chr7-107248407-T-G. GRCh37 (hg19) VCF-style: chr7-106888852-T-G.
Other names: c.1842A>C, p.Glu614Asp (NM_001161520.2, NM_001379513.1, NM_001379514.1); c.1680A>C, p.Glu560Asp (NM_001379511.1); c.1668A>C, p.Glu556Asp (NM_001379512.1); c.1272A>C, p.Glu424Asp (NM_001379515.1); c.1128A>C, p.Glu376Asp (NM_001379516.1); c.1779A>C, p.Glu593Asp (NM_181733.4); short protein forms E376D, E593D, E424D, E556D, E560D, E614D.
Identifiers: ClinVar variation 1358234 (VCV001358234.4), dbSNP rs772330572, ClinGen allele CA4430769.